The following is an entry in ClinVar:

NM_001142800.2(EYS):c.4881del (p.Ser1628fs)

Gene: EYS (EGF-like photoreceptor maintenance factor; minus strand). Cytogenetic location: 6q12.
Variant type: Deletion.
Coding change: c.4881del on transcript NM_001142800.2 (MANE Select); coding-DNA position 4881, one base deleted (A; older notation c.4881delA).
Protein change: p.Ser1628fs; shifts the reading frame from serine 1628.
Molecular consequence: frameshift variant.
Genome position (GRCh38, 1-based): chr6:64,590,986, T deleted on the plus strand (A on the coding strand, the reverse complement: EYS is on the minus strand). VCF-style (leftmost placement, unchanged base first): chr6-64590985-AT-A. GRCh37 (hg19) VCF-style: chr6-65300878-AT-A.
Other names: c.4881del, p.Ser1628fs (NM_001292009.2); short protein forms S1628fs.
Identifiers: ClinVar variation 4814642 (VCV004814642.1).

ClinVar aggregate classification (germline): Likely pathogenic (1 of 4 stars; one submission).

Conditions:
Retinitis pigmentosa 25 (RP25). Identifiers: Orphanet 791, MedGen C1864446, MONDO:0011272, OMIM 602772.

Submission:

Natera, Inc.
Classification: Likely pathogenic for Retinitis pigmentosa type 25. Last evaluated: 2025-11-24. Review status: criteria provided, single submitter. Criteria: Natera Variant Classification Schema (03/2026). Collection method: clinical testing. Allele origin: germline.
Comment: The c.4881del variant in EYS is a frameshift variant predicted to shift the reading frame beginning at codon 1628 and leads to a stop codon 51 codons downstream. This variant is expected to result in nonsense mediated decay, truncation, or a dysfunctional protein product. This variant is rare in the general population with a frequency below the threshold expected for the associated phenotype(s). Given the available evidence, this variant is classified as Likely Pathogenic.